The following is an entry in ClinVar:

NM_181426.2(CCDC39):c.1359C>A (p.Ser453Arg)

Gene: CCDC39 (coiled-coil domain 39 molecular ruler complex subunit; minus strand). Cytogenetic location: 3q26.33.
Variant type: single nucleotide variant.
Coding change: c.1359C>A on transcript NM_181426.2 (MANE Select); coding-DNA position 1359, C replaced by A.
Protein change: p.Ser453Arg; replaces serine 453 with arginine.
Molecular consequence: missense variant.
Genome position (GRCh38, 1-based): chr3:180,648,168, G>T on the plus strand (C>A on the coding strand, the complement: CCDC39 is on the minus strand). VCF-style: chr3-180648168-G-T. GRCh37 (hg19) VCF-style: chr3-180365956-G-T.
Other names: short protein forms S453R.
Identifiers: ClinVar variation 344270 (VCV000344270.7), dbSNP rs6769457, ClinGen allele CA2715971.

ClinVar aggregate classification (germline): Uncertain significance. Review status: criteria provided, multiple submitters, no conflicts (2 of 4 stars). 3 submissions from 3 submitters: Uncertain significance (3). Last evaluated 2024-01-03.

Conditions:
Primary ciliary dyskinesia. Also called: Ciliary dyskinesia. Identifiers: Orphanet 244, MedGen C0008780, MONDO:0016575, HP:0012265.
Primary ciliary dyskinesia 14. Also called: CILIARY DYSKINESIA, PRIMARY, 14, WITH OR WITHOUT SITUS INVERSUS. Identifiers: Orphanet 244, MedGen C3151136, MONDO:0013434, OMIM 613807.

Allele frequency attached by ClinVar (database versions not stated): 1000 Genomes Project 30x 0.00016.
gnomAD v4.1: 69 of 1,607,880 alleles (0.0043%); highest among the groups gnomAD compares: East Asian, 0.15%; no homozygotes.

Submissions (3):

Labcorp Genetics (formerly Invitae), Labcorp
Classification: Uncertain significance for Primary ciliary dyskinesia. Last evaluated: 2024-01-03. Review status: criteria provided, single submitter. Criteria: Invitae Variant Classification Sherloc (09022015). Collection method: clinical testing. Allele origin: germline.
Comment: This sequence change replaces serine, which is neutral and polar, with arginine, which is basic and polar, at codon 453 of the CCDC39 protein (p.Ser453Arg). This variant is present in population databases (rs6769457, gnomAD 0.04%). This variant has not been reported in the literature in individuals affected with CCDC39-related conditions. ClinVar contains an entry for this variant (Variation ID: 344270). An algorithm developed to predict the effect of missense changes on protein structure and function (PolyPhen-2) suggests that this variant¬†is likely to be tolerated. In summary, the available evidence is currently insufficient to determine the role of this variant in disease. Therefore, it has been classified as a Variant of Uncertain Significance.

Fulgent Genetics
Classification: Uncertain significance for Primary ciliary dyskinesia 14. Last evaluated: 2021-09-13. Review status: criteria provided, single submitter. Criteria: ACMG Guidelines, 2015. Collection method: clinical testing. Allele origin: unknown.

Illumina Laboratory Services, Illumina
Classification: Uncertain significance for Primary ciliary dyskinesia 14. Last evaluated: 2018-01-13. Review status: criteria provided, single submitter. Criteria: ICSL Variant Classification Criteria 13 December 2019. Collection method: clinical testing. Allele origin: germline.